The following is an entry in ClinVar:

ClinVar aggregate classification (germline): Uncertain significance (0 of 4 stars; one submission).

Conditions:
JAG1-related disorder. Also called: JAG1-related disorders; JAG1-related condition.

Submission:

PreventionGenetics, part of Exact Sciences
Classification: Uncertain significance for JAG1-related condition. Last evaluated: 2024-08-27. Review status: no assertion criteria provided. Collection method: clinical testing. Allele origin: germline.
Comment: The JAG1 c.221A>G variant is predicted to result in the amino acid substitution p.Tyr74Cys. This variant was reported in three affected individuals with Alagille syndrome from a single family (Gilbert et al. 2019. PubMed ID: 31343788). This variant has not been reported in a large population database, indicating this variant is rare. At this time, the clinical significance of this variant is uncertain due to the absence of conclusive functional and genetic evidence.

NM_000214.3(JAG1):c.221A>G (p.Tyr74Cys)

Gene: JAG1 (jagged canonical Notch ligand 1; minus strand). Cytogenetic location: 20p12.2.
Variant type: single nucleotide variant.
Coding change: c.221A>G on transcript NM_000214.3 (MANE Select); coding-DNA position 221, A replaced by G.
Protein change: p.Tyr74Cys; replaces tyrosine 74 with cysteine.
Molecular consequence: missense variant.
Genome position (GRCh38, 1-based): chr20:10,672,867, T>C on the plus strand (A>G on the coding strand, the complement: JAG1 is on the minus strand). VCF-style: chr20-10672867-T-C. GRCh37 (hg19) VCF-style: chr20-10653515-T-C.
Other names: short protein forms Y74C.
Identifiers: ClinVar variation 3344251 (VCV003344251.1).